The following is an entry in ClinVar:

ClinVar aggregate classification (germline): Pathogenic (1 of 4 stars; one submission).

Conditions:
Propionic acidemia (PROP). Also called: GLYCINEMIA, KETOTIC; HYPERGLYCINEMIA WITH KETOACIDOSIS AND LEUKOPENIA; KETOTIC HYPERGLYCINEMIA. Identifiers: Orphanet 35, MedGen C0268579, MONDO:0011628, OMIM 606054, HP:0003571.

Submission:

Labcorp Genetics (formerly Invitae), Labcorp
Classification: Pathogenic for Propionic acidemia. Last evaluated: 2021-10-24. Review status: criteria provided, single submitter. Criteria: Invitae Variant Classification Sherloc (09022015). Collection method: clinical testing. Allele origin: germline.
Comment: For these reasons, this variant has been classified as Pathogenic. This variant has not been reported in the literature in individuals affected with PCCB-related conditions. This variant is not present in population databases (gnomAD no frequency). This sequence change creates a premature translational stop signal (p.Asn348Argfs*12) in the PCCB gene. It is expected to result in an absent or disrupted protein product. Loss-of-function variants in PCCB are known to be pathogenic (PMID: 15464417).

Literature cited by the submitters: PubMed 15464417.

NM_000532.5(PCCB):c.1043_1044del (p.Asn348fs)

Gene: PCCB (propionyl-CoA carboxylase subunit beta; plus strand). Cytogenetic location: 3q22.3.
Variant type: Deletion.
Coding change: c.1043_1044del on transcript NM_000532.5 (MANE Select); coding-DNA positions 1043 to 1044, 2 bases deleted (AT; older notation c.1043_1044delAT).
Protein change: p.Asn348fs; shifts the reading frame from asparagine 348.
Molecular consequence: frameshift variant.
Genome position (GRCh38, 1-based): chr3:136,317,017-136,317,018, AT deleted. VCF-style (leftmost placement, unchanged base first): chr3-136317016-AAT-A. GRCh37 (hg19) VCF-style: chr3-136035858-AAT-A.
Other names: c.1103_1104del, p.Asn368fs (NM_001178014.2); short protein forms N368fs, N348fs.
Identifiers: ClinVar variation 1456492 (VCV001456492.6), dbSNP rs2108226666, ClinGen allele CA2573136663.